The following is an entry in ClinVar:

NM_001040142.2(SCN2A):c.794T>C (p.Ile265Thr)

Gene: SCN2A (sodium voltage-gated channel alpha subunit 2; plus strand). Cytogenetic location: 2q24.3.
Variant type: single nucleotide variant.
Coding change: c.794T>C on transcript NM_001040142.2 (MANE Select); coding-DNA position 794, T replaced by C.
Protein change: p.Ile265Thr; replaces isoleucine 265 with threonine.
Molecular consequence: missense variant.
Genome position (GRCh38, 1-based): chr2:165,310,419, T>C. VCF-style: chr2-165310419-T-C. GRCh37 (hg19) VCF-style: chr2-166166929-T-C.
Other names: c.794T>C, p.Ile265Thr (NM_001040143.2, NM_001371246.1, NM_001371247.1 and 1 more transcripts); short protein forms I265T.
Identifiers: ClinVar variation 1047388 (VCV001047388.11), dbSNP rs1697365527, ClinGen allele CA349018118.

ClinVar aggregate classification (germline): Uncertain significance (1 of 4 stars; one submission).

Conditions:
Seizures, benign familial infantile, 3 (BFIS3). Also called: CONVULSIONS, BENIGN FAMILIAL INFANTILE, 3; Familial neonatal seizures. Identifiers: Orphanet 140927, Orphanet 306, MedGen C1843140, MONDO:0011904, OMIM 607745.
Developmental and epileptic encephalopathy, 11 (DEE11). Also called: Early infantile epileptic encephalopathy 11. Identifiers: Orphanet 1934, MedGen C3150987, MONDO:0013388, OMIM 613721.

Submission:

Labcorp Genetics (formerly Invitae), Labcorp
Classification: Uncertain significance for Seizures, benign familial infantile, 3; Developmental and epileptic encephalopathy, 11. Last evaluated: 2020-07-24. Review status: criteria provided, single submitter. Criteria: Invitae Variant Classification Sherloc (09022015). Collection method: clinical testing. Allele origin: germline.
Comment: This sequence change replaces isoleucine with threonine at codon 265 of the SCN2A protein (p.Ile265Thr). The isoleucine residue is highly conserved and there is a moderate physicochemical difference between isoleucine and threonine. This variant is not present in population databases (ExAC no frequency). This variant has not been reported in the literature in individuals with SCN2A-related conditions. Algorithms developed to predict the effect of missense changes on protein structure and function are either unavailable or do not agree on the potential impact of this missense change (SIFT: "Deleterious"; PolyPhen-2: "Possibly Damaging"; Align-GVGD: "Class C0"). In summary, the available evidence is currently insufficient to determine the role of this variant in disease. Therefore, it has been classified as a Variant of Uncertain Significance.